The following is an entry in ClinVar:

NM_012179.4(FBXO7):c.32C>T (p.Thr11Ile)

Gene: FBXO7 (F-box protein 7; plus strand). Cytogenetic location: 22q12.3.
Variant type: single nucleotide variant.
Coding change: c.32C>T on transcript NM_012179.4 (MANE Select); coding-DNA position 32, C replaced by T.
Protein change: p.Thr11Ile; replaces threonine 11 with isoleucine.
Molecular consequence: missense variant.
Genome position (GRCh38, 1-based): chr22:32,475,034, C>T. VCF-style: chr22-32475034-C-T. GRCh37 (hg19) VCF-style: chr22-32871021-C-T.
Other names: short protein forms T11I.
Identifiers: ClinVar variation 934590 (VCV000934590.7), dbSNP rs1233525301, ClinGen allele CA411329851.

ClinVar aggregate classification (germline): Uncertain significance (1 of 4 stars; one submission).

Conditions:
Parkinsonian-pyramidal syndrome. Also called: PALLIDOPYRAMIDAL SYNDROME; PARKINSON DISEASE 15, AUTOSOMAL RECESSIVE; PARKINSON DISEASE 15, AUTOSOMAL RECESSIVE EARLY-ONSET. Identifiers: Orphanet 171695, MedGen C1850100, MONDO:0009830, OMIM 260300.

Allele frequency attached by ClinVar (database versions not stated): TOPMed below 0.00001; gnomAD exomes 0.00001.

Submission:

Labcorp Genetics (formerly Invitae), Labcorp
Classification: Uncertain significance for Parkinsonian-pyramidal syndrome. Last evaluated: 2021-08-30. Review status: criteria provided, single submitter. Criteria: Invitae Variant Classification Sherloc (09022015). Collection method: clinical testing. Allele origin: germline.
Comment: This sequence change replaces threonine with isoleucine at codon 11 of the FBXO7 protein (p.Thr11Ile). The threonine residue is weakly conserved and there is a moderate physicochemical difference between threonine and isoleucine. The frequency data for this variant in the population databases is considered unreliable, as metrics indicate insufficient coverage at this position in the ExAC database. This variant has not been reported in the literature in individuals affected with FBXO7-related conditions. Algorithms developed to predict the effect of missense changes on protein structure and function are either unavailable or do not agree on the potential impact of this missense change (SIFT: "Deleterious"; PolyPhen-2: "Probably Damaging"; Align-GVGD: "Class C0"). In summary, the available evidence is currently insufficient to determine the role of this variant in disease. Therefore, it has been classified as a Variant of Uncertain Significance.